The following is an entry in ClinVar:

ClinVar aggregate classification (germline): Uncertain significance (1 of 4 stars; one submission).

Allele frequency attached by ClinVar (database versions not stated): TOPMed below 0.00001.

Submission:

Labcorp Genetics (formerly Invitae), Labcorp
Classification: Uncertain significance. Last evaluated: 2022-07-04. Review status: criteria provided, single submitter. Criteria: Invitae Variant Classification Sherloc (09022015). Collection method: clinical testing. Allele origin: germline.
Comment: In summary, the available evidence is currently insufficient to determine the role of this variant in disease. Therefore, it has been classified as a Variant of Uncertain Significance. Algorithms developed to predict the effect of missense changes on protein structure and function are either unavailable or do not agree on the potential impact of this missense change (SIFT: "Deleterious"; PolyPhen-2: "Benign"; Align-GVGD: "Class C65"). This variant has not been reported in the literature in individuals affected with NBAS-related conditions. This variant is not present in population databases (gnomAD no frequency). This sequence change replaces proline, which is neutral and non-polar, with leucine, which is neutral and non-polar, at codon 705 of the NBAS protein (p.Pro705Leu).

NM_015909.4(NBAS):c.2114C>T (p.Pro705Leu)

Gene: NBAS (NBAS subunit of NRZ tethering complex; minus strand). Cytogenetic location: 2p24.3.
Variant type: single nucleotide variant.
Coding change: c.2114C>T on transcript NM_015909.4 (MANE Select); coding-DNA position 2114, C replaced by T.
Protein change: p.Pro705Leu; replaces proline 705 with leucine.
Molecular consequence: missense variant. On other transcripts: non-coding transcript variant (1).
Genome position (GRCh38, 1-based): chr2:15,461,775, G>A on the plus strand (C>T on the coding strand, the complement: NBAS is on the minus strand). VCF-style: chr2-15461775-G-A. GRCh37 (hg19) VCF-style: chr2-15601899-G-A.
Other names: short protein forms P705L.
Identifiers: ClinVar variation 2014178 (VCV002014178.4), dbSNP rs1679517414, ClinGen allele CA345881591.